The following is an entry in ClinVar:

NM_003995.4(NPR2):c.1111C>T (p.Arg371Ter)

Gene: NPR2 (natriuretic peptide receptor 2; plus strand). Cytogenetic location: 9p13.3.
Variant type: single nucleotide variant.
Coding change: c.1111C>T on transcript NM_003995.4 (MANE Select); coding-DNA position 1111, C replaced by T.
Protein change: p.Arg371Ter; replaces arginine 371 with a stop codon.
Molecular consequence: nonsense.
Genome position (GRCh38, 1-based): chr9:35,800,145, C>T. VCF-style: chr9-35800145-C-T. GRCh37 (hg19) VCF-style: chr9-35800142-C-T.
Other names: c.1111C>T, p.Arg371Ter (NM_001378923.1); short protein forms R371*.
Identifiers: ClinVar variation 1333664 (VCV001333664.1), dbSNP rs1828094222, ClinGen allele CA373370314.
Genomic context (GRCh38, chr9:35,800,145, plus strand): 5'-ACAATACAGGAAGGAGGCACCCGGGAGGATGGACTTCGAATTGTGGAAAAGATGCAGGGA[C>T]GAAGATATCACGGTAATGAAGAGGGGTCAATGGGGGTCTGAGGGCTGATGTCAGGAATAG-3'

ClinVar aggregate classification (germline): Pathogenic (1 of 4 stars; one submission).

Conditions:
Acromesomelic dysplasia 1, Maroteaux type (AMD1). Also called: ST. HELENA DYSPLASIA; ACROMESOMELIC DYSPLASIA 1. Identifiers: Orphanet 40, MedGen C1864356, MONDO:0011275, OMIM 602875.

Allele frequency attached by ClinVar (database versions not stated): gnomAD exomes below 0.00001; TOPMed below 0.00001.

Submission:

3billion
Classification: Pathogenic for Acromesomelic dysplasia 1, Maroteaux type. Last evaluated: 2022-01-03. Review status: criteria provided, single submitter. Criteria: ACMG Guidelines, 2015. Collection method: clinical testing. Allele origin: germline. Affected: yes. Observed: 1 homozygote.
Comment: Stop-gained (nonsense): predicted to result in a loss or disruption of normal protein function through nonsense-mediated decay (NMD) or protein truncation. Multiple pathogenic variants are reported downstream of the variant (PVS1_VS).The variant has been reported to be associated with NPR2 related disorder (PMID:15146390).It is not observed in the gnomAD v2.1.1 dataset (PM2_M). Therefore, this variant is classified as pathogenic according to the recommendation of ACMG/AMP guideline.

Literature cited by the submitters: PubMed 15146390.